The following is an entry in ClinVar:

ClinVar aggregate classification (germline): Uncertain significance (1 of 4 stars; one submission).

Conditions:
REST-related disorder. Also called: REST-related condition.

Submission:

PreventionGenetics, part of Exact Sciences
Classification: Uncertain significance for REST-related condition. Last evaluated: 2026-01-07. Review status: criteria provided, single submitter. Criteria: ACMG Guidelines, 2015. Collection method: clinical testing. Allele origin: germline.
Comment: The REST c.956T>C variant is predicted to result in the amino acid substitution p.Leu319Pro. To our knowledge, this variant has not been reported in the literature or in a large population database (gnomAD), indicating this variant is rare. At the time of reporting, this variant is absent from the ClinVar database. At this time, the clinical significance of this variant is uncertain due to the absence of conclusive functional and genetic evidence.

NM_005612.5(REST):c.956T>C (p.Leu319Pro)

Gene: REST (RE1 silencing transcription factor; plus strand). Cytogenetic location: 4q12.
Variant type: single nucleotide variant.
Coding change: c.956T>C on transcript NM_005612.5 (MANE Select); coding-DNA position 956, T replaced by C.
Protein change: p.Leu319Pro; replaces leucine 319 with proline.
Molecular consequence: missense variant. On other transcripts: intron variant (2).
Genome position (GRCh38, 1-based): chr4:56,919,844, T>C. VCF-style: chr4-56919844-T-C. GRCh37 (hg19) VCF-style: chr4-57786010-T-C.
Other names: c.956T>C, p.Leu319Pro (NM_001193508.2, NM_001363453.3); c.898+8308T>C (NM_001440532.1, NM_001440533.1); short protein forms L319P.
Identifiers: ClinVar variation 4994095 (VCV004994095.1).